The following is an entry in ClinVar:

ClinVar aggregate classification (germline): Uncertain significance (1 of 4 stars; one submission).

Submission:

Geisinger Autism and Developmental Medicine Institute, Geisinger Health System
Classification: Uncertain significance. Last evaluated: 2018-04-03. Review status: criteria provided, single submitter. Criteria: ACMG CNV Guidelines, 2011. Collection method: provider interpretation. Allele origin: paternal.

Single allele

Genes: NMB (neuromedin B; minus strand), PDE8A (phosphodiesterase 8A; plus strand), SEC11A (SEC11 homolog A, signal peptidase complex subunit; minus strand), SLC28A1 (solute carrier family 28 member 1; plus strand), WDR73 (WD repeat domain 73; minus strand) and 36 more. Cytogenetic location: 15q25.2-25.3.
Variant type: Deletion.
Identifiers: ClinVar variation 560037 (VCV000560037.3).